The following is an entry in ClinVar:

ClinVar aggregate classification (germline): Pathogenic (1 of 4 stars; one submission).

Conditions:
Hereditary nonpolyposis colorectal neoplasms. Identifiers: MedGen C0009405, MeSH D003123.

Submission:

Labcorp Genetics (formerly Invitae), Labcorp
Classification: Pathogenic for Hereditary nonpolyposis colorectal neoplasms. Last evaluated: 2024-10-27. Review status: criteria provided, single submitter. Criteria: Invitae Variant Classification Sherloc (09022015). Collection method: clinical testing. Allele origin: germline.
Comment: This sequence change creates a premature translational stop signal (p.Gln1155Argfs*29) in the MSH6 gene. It is expected to result in an absent or disrupted protein product. Loss-of-function variants in MSH6 are known to be pathogenic (PMID: 18269114, 24362816). This variant is not present in population databases (gnomAD no frequency). This variant has not been reported in the literature in individuals affected with MSH6-related conditions. For these reasons, this variant has been classified as Pathogenic.

Literature cited by the submitters: PubMed 18269114; PubMed 24362816.

NM_000179.3(MSH6):c.3463del (p.Gln1155fs)

Gene: MSH6 (mutS homolog 6; plus strand). Cytogenetic location: 2p16.3.
Variant type: Deletion.
Coding change: c.3463del on transcript NM_000179.3 (MANE Select); coding-DNA position 3463, one base deleted (C; older notation c.3463delC).
Protein change: p.Gln1155fs; shifts the reading frame from glutamine 1155.
Molecular consequence: frameshift variant. On other transcripts: non-coding transcript variant (4).
Genome position (GRCh38, 1-based): chr2:47,804,934, C deleted; the last of 3 consecutive C bases (chr2:47,804,932-47,804,934); deleting any one gives the same sequence. VCF-style (leftmost placement, unchanged base first): chr2-47804931-GC-G. GRCh37 (hg19) VCF-style: chr2-48032070-GC-G.
Other names: c.2557del, p.Gln853fs (NM_001406816.1, NM_001406823.1, NM_001406811.1 and 6 more transcripts); c.2599del, p.Gln867fs (NM_001406803.1); c.3385del, p.Gln1129fs (NM_001406804.1); c.3166del, p.Gln1056fs (NM_001406805.1, NM_001406818.1, NM_001406819.1 and 10 more transcripts); c.3559del, p.Gln1187fs (NM_001406802.1, NM_001406795.1); c.1897del, p.Gln633fs (NM_001406817.1); c.2938del, p.Gln980fs (NM_001406806.1, NM_001406807.1, NM_001406799.1); c.3463del, p.Gln1155fs (NM_001406808.1, NM_001406809.1, NM_001406796.1 and 1 more transcripts); and 7 more; short protein forms Q1025fs, Q82fs, Q980fs, Q1099fs, Q1157fs, Q470fs, Q853fs, Q1097fs.
Identifiers: ClinVar variation 3723844 (VCV003723844.2).